The following is an entry in ClinVar:

NM_002880.4(RAF1):c.420C>G (p.Asn140Lys)

Gene: RAF1 (Raf-1 proto-oncogene, serine/threonine kinase; minus strand). Cytogenetic location: 3p25.2.
Variant type: single nucleotide variant.
Coding change: c.420C>G on transcript NM_002880.4 (MANE Select); coding-DNA position 420, C replaced by G.
Protein change: p.Asn140Lys; replaces asparagine 140 with lysine.
Molecular consequence: missense variant. On other transcripts: non-coding transcript variant (3).
Genome position (GRCh38, 1-based): chr3:12,609,236, G>C on the plus strand (C>G on the coding strand, the complement: RAF1 is on the minus strand). VCF-style: chr3-12609236-G-C. GRCh37 (hg19) VCF-style: chr3-12650735-G-C.
Other names: c.420C>G, p.Asn140Lys (NM_001354689.3, NM_001354690.3, NM_001354693.3); c.177C>G, p.Asn59Lys (NM_001354691.3, NM_001354692.3, NM_001354694.3 and 1 more transcripts); short protein forms N140K, N59K.
Identifiers: ClinVar variation 411097 (VCV000411097.9), dbSNP rs775525868, ClinGen allele CA2259772.

ClinVar aggregate classification (germline): Uncertain significance (1 of 4 stars; one submission).

Conditions:
RASopathy. Also called: rasopathies; Noonan spectrum disorder. Identifiers: Orphanet 536391, MedGen C5555857, MONDO:0021060.

Allele frequency attached by ClinVar (database versions not stated): gnomAD exomes below 0.00001; ExAC 0.00001.

Submission:

Labcorp Genetics (formerly Invitae), Labcorp
Classification: Uncertain significance for RASopathy. Last evaluated: 2025-01-30. Review status: criteria provided, single submitter. Criteria: Invitae Variant Classification Sherloc (09022015). Collection method: clinical testing. Allele origin: germline.
Comment: This sequence change replaces asparagine, which is neutral and polar, with lysine, which is basic and polar, at codon 140 of the RAF1 protein (p.Asn140Lys). This variant is present in population databases (rs775525868, gnomAD 0.006%). This variant has not been reported in the literature in individuals affected with RAF1-related conditions. ClinVar contains an entry for this variant (Variation ID: 411097). Invitae Evidence Modeling incorporating data from in vitro experimental studies (internal data) indicates that this missense variant is expected to disrupt RAF1 function with a positive predictive value of 95%. In summary, the available evidence is currently insufficient to determine the role of this variant in disease. Therefore, it has been classified as a Variant of Uncertain Significance.